The following is an entry in ClinVar:

ClinVar aggregate classification (germline): Conflicting classifications of pathogenicity. Review status: criteria provided, conflicting classifications (1 of 4 stars). 2 submissions from 2 submitters: Uncertain significance (1); Likely benign (1). Last evaluated 2026-03-10.

Conditions:
Alstrom syndrome (ALMS). Identifiers: Orphanet 64, MedGen C0268425, MONDO:0008763, OMIM 203800.
Cardiovascular phenotype. Identifiers: MedGen CN230736.

Submissions (2):

Ambry Genetics
Classification: Likely benign for Cardiovascular phenotype. Last evaluated: 2026-03-10. Review status: criteria provided, single submitter. Criteria: Ambry Variant Classification Scheme 2023. Collection method: clinical testing. Allele origin: germline.

Labcorp Genetics (formerly Invitae), Labcorp
Classification: Uncertain significance for Alstrom syndrome. Last evaluated: 2022-03-21. Review status: criteria provided, single submitter. Criteria: Invitae Variant Classification Sherloc (09022015). Collection method: clinical testing. Allele origin: germline.
Comment: This sequence change replaces glutamine, which is neutral and polar, with glutamic acid, which is acidic and polar, at codon 2767 of the ALMS1 protein (p.Gln2767Glu). In summary, the available evidence is currently insufficient to determine the role of this variant in disease. Therefore, it has been classified as a Variant of Uncertain Significance. Experimental studies and prediction algorithms are not available or were not evaluated, and the functional significance of this variant is currently unknown. This variant has not been reported in the literature in individuals affected with ALMS1-related conditions. This variant is not present in population databases (gnomAD no frequency).

NM_001378454.1(ALMS1):c.8296C>G (p.Gln2766Glu)

Gene: ALMS1 (ALMS1 centrosome and basal body associated protein; plus strand). Cytogenetic location: 2p13.1.
Variant type: single nucleotide variant.
Coding change: c.8296C>G on transcript NM_001378454.1 (MANE Select); coding-DNA position 8296, C replaced by G.
Protein change: p.Gln2766Glu; replaces glutamine 2766 with glutamic acid.
Molecular consequence: missense variant.
Genome position (GRCh38, 1-based): chr2:73,490,255, C>G. VCF-style: chr2-73490255-C-G. GRCh37 (hg19) VCF-style: chr2-73717382-C-G.
Other names: c.8299C>G, p.Gln2767Glu (NM_015120.4); short protein forms Q2766E, Q2767E.
Identifiers: ClinVar variation 2115480 (VCV002115480.5), dbSNP rs2466215234, ClinGen allele CA347268160.
Genomic context (GRCh38, chr2:73,490,255, plus strand): 5'-TCTGTGGGGGTATTTAATTCTCATTTCACTGAAGAACAAAATCCTCCCAGAGATCTTAAA[C>G]AGAAAACCTCTTCCCCTTCATCATTTAAAATGCATAGTAATTCACAAGATAAAGAAGTGA-3'
Protein context (NP_001365383.1, residues 2756-2776): EEQNPPRDLK[Gln2766Glu]KTSSPSSFKM